The following is an entry in ClinVar:

ClinVar aggregate classification (germline): Likely benign. Review status: criteria provided, multiple submitters, no conflicts (2 of 4 stars). 2 submissions from 2 submitters: Likely benign (2). Last evaluated 2024-10-15.

Conditions:
Early-infantile DEE. Also called: Early infantile epileptic encephalopathy; Ohtahara syndrome; Early infantile epileptic encephalopathy with suppression bursts. Identifiers: Orphanet 1934, MedGen C0393706, MONDO:0800491.

Allele frequency attached by ClinVar (database versions not stated): TOPMed 0.00005.
gnomAD v4.1: 9 of 1,614,012 alleles (0.00056%); highest among the groups gnomAD compares: African/African-American, 0.011%; no homozygotes.

Submissions (2):

Labcorp Genetics (formerly Invitae), Labcorp
Classification: Likely benign for Early-infantile DEE. Last evaluated: 2024-10-15. Review status: criteria provided, single submitter. Criteria: Invitae Variant Classification Sherloc (09022015). Collection method: clinical testing. Allele origin: germline.

GeneDx
Classification: Likely benign. Last evaluated: 2017-11-07. Review status: criteria provided, single submitter. Criteria: GeneDx Variant Classification (06012015). Collection method: clinical testing. Allele origin: germline. Affected: yes.
Comment: This variant is considered likely benign or benign based on one or more of the following criteria: it is a conservative change, it occurs at a poorly conserved position in the protein, it is predicted to be benign by multiple in silico algorithms, and/or has population frequency not consistent with disease.

NM_001130438.3(SPTAN1):c.4215G>T (p.Leu1405=)

Gene: SPTAN1 (spectrin alpha, non-erythrocytic 1; plus strand). Cytogenetic location: 9q34.11.
Variant type: single nucleotide variant.
Coding change: c.4215G>T on transcript NM_001130438.3 (MANE Select); coding-DNA position 4215, G replaced by T.
Protein change: p.Leu1405=; no amino-acid change (leucine 1405 retained).
Molecular consequence: synonymous variant.
Genome position (GRCh38, 1-based): chr9:128,607,920, G>T. VCF-style: chr9-128607920-G-T. GRCh37 (hg19) VCF-style: chr9-131370199-G-T.
Other names: c.4155G>T, p.Leu1385= (NM_001195532.2, NM_001363765.2); c.4215G>T, p.Leu1405= (NM_001363759.2, NM_003127.4).
Identifiers: ClinVar variation 513082 (VCV000513082.10), dbSNP rs754607337, ClinGen allele CA5265142.